The following is an entry in ClinVar:

ClinVar aggregate classification (germline): Conflicting classifications of pathogenicity. Review status: criteria provided, conflicting classifications (1 of 4 stars). 3 submissions from 3 submitters: Uncertain significance (2); Likely benign (1). Last evaluated 2026-02-23.

Conditions:
Hereditary cancer-predisposing syndrome. Also called: Neoplastic Syndromes, Hereditary; Hereditary neoplastic syndrome; Tumor predisposition; Hereditary Cancer Syndrome. Identifiers: Orphanet 140162, MedGen C0027672, MeSH D009386, MONDO:0015356.
Rhabdoid tumor predisposition syndrome 2 (RTPS2). Identifiers: Orphanet 231108, Orphanet 69077, MedGen C2750074, MONDO:0013224, OMIM 613325.

Allele frequency attached by ClinVar (database versions not stated): gnomAD exomes below 0.00001.
gnomAD v4.1: 1 of 1,535,796 alleles (0.000065%); highest among the groups gnomAD compares: Non-Finnish European, 0.000087%; no homozygotes.

Submissions (3):

Ambry Genetics
Classification: Uncertain significance for Hereditary cancer-predisposing syndrome. Last evaluated: 2026-02-23. Review status: criteria provided, single submitter. Criteria: Ambry Variant Classification Scheme 2023. Collection method: clinical testing. Allele origin: germline.
Comment: The c.760+4A>G intronic variant results from an A to G substitution 4 nucleotides after coding exon 3 in the SMARCA4 gene. This nucleotide position is well conserved in available vertebrate species. In silico splice site analysis predicts that this alteration may result in the creation or strengthening of a novel splice donor site. Based on the available evidence, the clinical significance of this variant remains unclear.

Labcorp Genetics (formerly Invitae), Labcorp
Classification: Likely benign for Rhabdoid tumor predisposition syndrome 2. Last evaluated: 2024-08-05. Review status: criteria provided, single submitter. Criteria: Invitae Variant Classification Sherloc (09022015). Collection method: clinical testing. Allele origin: germline.

GeneDx
Classification: Uncertain significance. Last evaluated: 2023-03-27. Review status: criteria provided, single submitter. Criteria: GeneDx Variant Classification Process June 2021. Collection method: clinical testing. Allele origin: germline. Affected: yes.
Comment: Not observed at significant frequency in large population cohorts (gnomAD); Has not been previously published as pathogenic or benign to our knowledge; In silico analysis suggests this variant may impact gene splicing. In the absence of RNA/functional studies, the actual effect of this sequence change is unknown.

NM_003072.5(SMARCA4):c.760+4A>G

Gene: SMARCA4 (SWI/SNF related BAF chromatin remodeling complex subunit ATPase 4; plus strand). Cytogenetic location: 19p13.2.
Variant type: single nucleotide variant.
Coding change: c.760+4A>G on transcript NM_003072.5 (MANE Select); 4 bases into the intron after coding-DNA position 760, A replaced by G.
Molecular consequence: intron variant.
Genome position (GRCh38, 1-based): chr19:10,986,597, A>G. VCF-style: chr19-10986597-A-G. GRCh37 (hg19) VCF-style: chr19-11097273-A-G.
Other names: c.760+4A>G (NM_001128844.3, NM_001128849.3, NM_001128847.4 and 5 more transcripts).
Identifiers: ClinVar variation 655117 (VCV000655117.7), dbSNP rs1213865421, ClinGen allele CA915952569.